The following is an entry in ClinVar:

NM_177438.3(DICER1):c.4655A>G (p.Gln1552Arg)

Gene: DICER1 (dicer 1, ribonuclease III; minus strand). Cytogenetic location: 14q32.13.
Variant type: single nucleotide variant.
Coding change: c.4655A>G on transcript NM_177438.3 (MANE Select); coding-DNA position 4655, A replaced by G.
Protein change: p.Gln1552Arg; replaces glutamine 1552 with arginine.
Molecular consequence: missense variant. On other transcripts: non-coding transcript variant (6).
Genome position (GRCh38, 1-based): chr14:95,096,265, T>C on the plus strand (A>G on the coding strand, the complement: DICER1 is on the minus strand). VCF-style: chr14-95096265-T-C. GRCh37 (hg19) VCF-style: chr14-95562602-T-C.
Other names: c.4655A>G, p.Gln1552Arg (NM_001291628.2, NM_001395677.1, NM_001395678.1 and 12 more transcripts); c.4250A>G, p.Gln1417Arg (NM_001395688.1, NM_001395687.1, NM_001395689.1 and 2 more transcripts); c.4373A>G, p.Gln1458Arg (NM_001395686.1); c.4088A>G, p.Gln1363Arg (NM_001395691.1); c.2972A>G, p.Gln991Arg (NM_001395697.1); short protein forms Q1458R, Q1552R, Q991R, Q1363R, Q1417R.
Identifiers: ClinVar variation 4637511 (VCV004637511.1).

ClinVar aggregate classification (germline): Uncertain significance (1 of 4 stars; one submission).

Conditions:
Hereditary cancer-predisposing syndrome. Also called: Neoplastic Syndromes, Hereditary; Tumor predisposition; Hereditary Cancer Syndrome; Hereditary neoplastic syndrome. Identifiers: Orphanet 140162, MedGen C0027672, MeSH D009386, MONDO:0015356.

Submission:

Ambry Genetics
Classification: Uncertain significance for Hereditary cancer-predisposing syndrome. Last evaluated: 2025-11-08. Review status: criteria provided, single submitter. Criteria: Ambry Variant Classification Scheme 2023. Collection method: clinical testing. Allele origin: germline.
Comment: The p.Q1552R variant (also known as c.4655A>G), located in coding exon 22 of the DICER1 gene, results from an A to G substitution at nucleotide position 4655. The glutamine at codon 1552 is replaced by arginine, an amino acid with highly similar properties. This amino acid position is conserved. In addition, this alteration is predicted to be deleterious by in silico analysis. Based on the available evidence, the clinical significance of this variant remains unclear.